The following is an entry in ClinVar:

ClinVar aggregate classification (germline): Uncertain significance (1 of 4 stars; one submission).

Allele frequency attached by ClinVar (database versions not stated): gnomAD exomes below 0.00001; ExAC 0.00001.
gnomAD v4.1: 1 of 1,614,044 alleles (0.000062%); highest among the groups gnomAD compares: Non-Finnish European, 0.000085%; no homozygotes.

Submission:

Labcorp Genetics (formerly Invitae), Labcorp
Classification: Uncertain significance. Last evaluated: 2025-10-13. Review status: criteria provided, single submitter. Criteria: Invitae Variant Classification Sherloc (09022015). Collection method: clinical testing. Allele origin: germline.
Comment: This sequence change replaces valine, which is neutral and non-polar, with alanine, which is neutral and non-polar, at codon 202 of the SLC26A3 protein (p.Val202Ala). This variant is present in population databases (rs756781550, gnomAD 0.0009%). This variant has not been reported in the literature in individuals affected with SLC26A3-related conditions. ClinVar contains an entry for this variant (Variation ID: 2135880). Invitae Evidence Modeling of protein sequence and biophysical properties (such as structural, functional, and spatial information, amino acid conservation, physicochemical variation, residue mobility, and thermodynamic stability) indicates that this missense variant is not expected to disrupt SLC26A3 protein function with a negative predictive value of 80%. In summary, the available evidence is currently insufficient to determine the role of this variant in disease. Therefore, it has been classified as a Variant of Uncertain Significance.

NM_000111.3(SLC26A3):c.605T>C (p.Val202Ala)

Gene: SLC26A3 (solute carrier family 26 member 3; minus strand). Cytogenetic location: 7q22.3.
Variant type: single nucleotide variant.
Coding change: c.605T>C on transcript NM_000111.3 (MANE Select); coding-DNA position 605, T replaced by C.
Protein change: p.Val202Ala; replaces valine 202 with alanine.
Molecular consequence: missense variant.
Genome position (GRCh38, 1-based): chr7:107,789,654, A>G on the plus strand (T>C on the coding strand, the complement: SLC26A3 is on the minus strand). VCF-style: chr7-107789654-A-G. GRCh37 (hg19) VCF-style: chr7-107430099-A-G.
Other names: short protein forms V202A.
Identifiers: ClinVar variation 2135880 (VCV002135880.4), dbSNP rs756781550, ClinGen allele CA4434071.
Genomic context (GRCh38, chr7:107,789,654, plus strand): 5'-AAAACATGAACAGCAGCAGCAGTAGTGAAGCCACTGATGAGGGACTCAGACAGGTATATC[A>G]CTACAAATCCAATCCGCAGAATCCCAAAAGCCAACTGGAAAGAGAACAAAAGCCTTTGTC-3'
Protein context (NP_000102.1, residues 192-212): AFGILRIGFV[Val202Ala]IYLSESLISG